The following is an entry in ClinVar:

NM_001415.4(EIF2S3):c.99C>T (p.His33=)

Gene: EIF2S3 (eukaryotic translation initiation factor 2 subunit gamma; plus strand). Cytogenetic location: Xp22.11.
Variant type: single nucleotide variant.
Coding change: c.99C>T on transcript NM_001415.4 (MANE Select); coding-DNA position 99, C replaced by T.
Protein change: p.His33=; no amino-acid change (histidine 33 retained).
Molecular consequence: synonymous variant.
Genome position (GRCh38, 1-based): chrX:24,055,644, C>T. VCF-style: chrX-24055644-C-T. GRCh37 (hg19) VCF-style: chrX-24073761-C-T.
Identifiers: ClinVar variation 128994 (VCV000128994.15), dbSNP rs36018672, ClinGen allele CA152729.

ClinVar aggregate classification (germline): Benign/Likely benign. Review status: criteria provided, multiple submitters, no conflicts (2 of 4 stars). 7 submissions from 7 submitters: Benign (3); Likely benign (1). 3 of the submissions do not count toward it. Last evaluated 2024-11-28.

Conditions:
MEHMO syndrome (MEHMO). Also called: MENTAL RETARDATION, X-LINKED, SYNDROMIC 20; MENTAL RETARDATION, X-LINKED, SYNDROMIC 25; Mental retardation, X-linked, syndromic, Borck type. Identifiers: Orphanet 85282, MedGen C1846278, MONDO:0010258, OMIM 300148.

Allele frequency attached by ClinVar (database versions not stated): 1000 Genomes Project 0.36318; 1000 Genomes Project 30x 0.36524; TOPMed 0.49682; ESP Exome Variant Server 0.50014; gnomAD 0.50815 and 0.51303; gnomAD exomes 0.56541.

Submissions (7):

Blueprint Genetics
Classification: Likely benign. Last evaluated: 2024-11-28. Review status: criteria provided, single submitter. Criteria: ACMG Guidelines, 2015. Collection method: clinical testing. Allele origin: germline.

GeneDx
Classification: Benign. Last evaluated: 2021-08-09. Review status: criteria provided, single submitter. Criteria: GeneDx Variant Classification Process June 2021. Collection method: clinical testing. Allele origin: germline. Affected: yes.

Genome-Nilou Lab
Classification: Benign for MEHMO syndrome. Last evaluated: 2021-07-30. Review status: criteria provided, single submitter. Criteria: ACMG Guidelines, 2015. Collection method: clinical testing. Allele origin: germline. Affected: no.

Breakthrough Genomics
Classification: Benign. Review status: criteria provided, single submitter. Criteria: ACMG Guidelines, 2015. Collection method: not provided. Allele origin: germline. Inheritance: X-linked inheritance. Affected: yes.

Clinical Genetics, Academic Medical Center
Classification: Benign. Review status: no assertion criteria provided. Collection method: clinical testing. Allele origin: germline. Affected: yes. Study: VKGL Data-share Consensus. Not counted in ClinVar's aggregate classification.

Diagnostic Laboratory, Department of Genetics, University Medical Center Groningen
Classification: Benign. Review status: no assertion criteria provided. Collection method: clinical testing. Allele origin: germline. Affected: yes. Study: VKGL Data-share Consensus. Not counted in ClinVar's aggregate classification.

Genetic Services Laboratory, University of Chicago
Classification: Likely benign for AllHighlyPenetrant. Review status: no assertion criteria provided. Collection method: clinical testing. Allele origin: germline. Inheritance: X-linked inheritance. Not counted in ClinVar's aggregate classification.
Comment: Likely benign based on allele frequency in 1000 Genomes Project or ESP global frequency and its presence in a patient with a rare or unrelated disease phenotype. NOT Sanger confirmed.